The following is an entry in ClinVar:

ClinVar aggregate classification (germline): Uncertain significance (1 of 4 stars; one submission).

Allele frequency attached by ClinVar (database versions not stated): TOPMed 0.00001; gnomAD 0.00001.

Submission:

Labcorp Genetics (formerly Invitae), Labcorp
Classification: Uncertain significance. Last evaluated: 2021-10-25. Review status: criteria provided, single submitter. Criteria: Invitae Variant Classification Sherloc (09022015). Collection method: clinical testing. Allele origin: germline.
Comment: This variant occurs in a non-coding region of the EYS gene. It does not change the encoded amino acid sequence of the EYS protein. This variant is not present in population databases (gnomAD no frequency). This variant has not been reported in the literature in individuals affected with EYS-related conditions. Experimental studies and prediction algorithms are not available or were not evaluated, and the functional significance of this variant is currently unknown. In summary, the available evidence is currently insufficient to determine the role of this variant in disease. Therefore, it has been classified as a Variant of Uncertain Significance.

NM_001142800.2(EYS):c.-211C>T

Gene: EYS (eyes shut homolog; minus strand). Cytogenetic location: 6q12.
Variant type: single nucleotide variant.
Coding change: c.-211C>T on transcript NM_001142800.2 (MANE Select); 211 bases upstream of the start codon, C replaced by T.
Molecular consequence: 5 prime UTR variant.
Genome position (GRCh38, 1-based): chr6:65,495,872, G>A on the plus strand (C>T on the coding strand, the complement: EYS is on the minus strand). VCF-style: chr6-65495872-G-A. GRCh37 (hg19) VCF-style: chr6-66205765-G-A.
Other names: c.-211C>T (NM_001142801.2, NM_001292009.2, NM_198283.2).
Identifiers: ClinVar variation 1402513 (VCV001402513.3), dbSNP rs1378885286, ClinGen allele CA827149994.